The following is an entry in ClinVar:

NM_006514.4(SCN10A):c.2641-2A>G

Gene: SCN10A (sodium voltage-gated channel alpha subunit 10; minus strand). Cytogenetic location: 3p22.2.
Variant type: single nucleotide variant.
Coding change: c.2641-2A>G on transcript NM_006514.4 (MANE Select); the canonical splice acceptor site of the intron before coding-DNA position 2641, A replaced by G.
Molecular consequence: splice acceptor variant.
Genome position (GRCh38, 1-based): chr3:38,727,054, T>C on the plus strand (A>G on the coding strand, the complement: SCN10A is on the minus strand). VCF-style: chr3-38727054-T-C. GRCh37 (hg19) VCF-style: chr3-38768545-T-C.
Other names: c.2347-2A>G (NM_001293307.2); c.2641-2A>G (NM_001293306.2).
Identifiers: ClinVar variation 3225636 (VCV003225636.1), dbSNP rs2470673858, ClinGen allele CA352159561.
Genomic context (GRCh38, chr3:38,727,054, plus strand): 5'-GCTGTGAGGTTGTCAGCACTGAAAGAGTTCAATAGCAGGGCGATGAACAGGTTAAGCACC[T>C]GAAGAGAAGGAATGGAAGGGAAGATTGATCAATCTCTAAGCTGAGCCCCACATTGGCCTA-3'

ClinVar aggregate classification (germline): Uncertain significance (1 of 4 stars; one submission).

Conditions:
Cardiovascular phenotype. Identifiers: MedGen CN230736.

Allele frequency attached by ClinVar (database versions not stated): gnomAD exomes below 0.00001.
gnomAD v4.1: 1 of 1,598,306 alleles (0.000063%); highest among the groups gnomAD compares: South Asian, 0.0011%; no homozygotes.

Submission:

Ambry Genetics
Classification: Uncertain significance for Cardiovascular phenotype. Last evaluated: 2024-02-21. Review status: criteria provided, single submitter. Criteria: Ambry Variant Classification Scheme 2023. Collection method: clinical testing. Allele origin: germline.
Comment: The c.2641-2A>G intronic variant results from an A to G substitution two nucleotides upstream from coding exon 16 in the SCN10A gene. This nucleotide position is highly conserved in available vertebrate species. In silico splice site analysis predicts that this alteration will weaken the native splice acceptor site and will result in the creation or strengthening of a novel splice acceptor site. Alterations that disrupt the canonical splice site are expected to cause aberrant splicing, resulting in an abnormal protein or a transcript that is subject to nonsense-mediated mRNA decay. However, loss of function of SCN10A has not been established as a mechanism of disease. The evidence for this gene-disease relationship is limited; therefore, the clinical significance of this alteration is unclear.